The following is an entry in ClinVar:

NM_003742.4(ABCB11):c.1139del (p.Leu380fs)

Gene: ABCB11 (ATP binding cassette subfamily B member 11; minus strand). Cytogenetic location: 2q31.1.
Variant type: Deletion.
Coding change: c.1139del on transcript NM_003742.4 (MANE Select); coding-DNA position 1139, one base deleted (T; older notation c.1139delT).
Protein change: p.Leu380fs; shifts the reading frame from leucine 380.
Molecular consequence: frameshift variant.
Genome position (GRCh38, 1-based): chr2:168,979,924, A deleted on the plus strand (T on the coding strand, the reverse complement: ABCB11 is on the minus strand); the first of 3 consecutive A bases (chr2:168,979,924-168,979,926); deleting any one gives the same sequence. VCF-style (leftmost placement, unchanged base first): chr2-168979923-CA-C. GRCh37 (hg19) VCF-style: chr2-169836433-CA-C.
Other names: NM_003742.4:c.1139del; short protein forms L380fs.
Identifiers: ClinVar variation 3776868 (VCV003776868.2).

ClinVar aggregate classification (germline): Pathogenic. Review status: criteria provided, multiple submitters, no conflicts (2 of 4 stars). 2 submissions from 2 submitters: Pathogenic (2). Last evaluated 2026-04-14.

Conditions:
Familial intrahepatic cholestasis. Identifiers: Orphanet 284385, MedGen CN296401, MONDO:0017290.
Progressive familial intrahepatic cholestasis type 2. Identifiers: Orphanet 79304, MedGen C3489789, MONDO:0011156, OMIM 601847.

Submissions (2):

Genomenon, Inc
Classification: Pathogenic for Familial intrahepatic cholestasis. Last evaluated: 2026-04-14. Review status: criteria provided, single submitter. Criteria: Genomenon Sequence Variant Interpretation Standards - Updated. Collection method: curation. Allele origin: germline. Affected: yes.
Comment: ABCB11 p.Leu380TrpfsTer18 (c.1139del) is a frameshift variant that results in the production of a truncated protein which is predicted to undergo nonsense-mediated mRNA decay. This variant has been observed in at least one proband with an ABCB11-related disorder (PMID:18395098). It is absent or not present at a significant frequency in gnomAD. In conclusion, we classify ABCB11 p.Leu380TrpfsTer18 (c.1139del) as a pathogenic variant.

Broad Center for Mendelian Genomics, Broad Institute of MIT and Harvard
Classification: Pathogenic for Progressive familial intrahepatic cholestasis type 2. Last evaluated: 2025-01-29. Review status: criteria provided, single submitter. Criteria: ACMG Guidelines, 2015. Collection method: curation. Allele origin: germline. Inheritance: Autosomal recessive inheritance.
Comment: The p.Leu380TrpfsTer18 variant in ABCB11 has been reported, in the compound heterozygous state, in one individual with BSEP deficiency (PMID: 18395098), and has been identified in 0.002% (2/1178204) of European (non-Finnish) chromosomes by the Genome Aggregation Database (gnomAD; dbSNP rs1456723487). Although this variant has been seen in the general population in a heterozygous state, its frequency is low enough to be consistent with a recessive carrier frequency. This variant is predicted to cause a frameshift, which alters the protein‚Äôs amino acid sequence beginning at position 380 and leads to a premature termination codon 18 amino acids downstream. This alteration is then predicted to lead to a truncated or absent protein. Loss of function of the ABCB11 gene is an established disease mechanism in autosomal recessive BSEP deficiency. In summary, this variant meets criteria to be classified as pathogenic for autosomal recessive BSEP deficiency. ACMG/AMP Criteria applied: PVS1, PM2_supporting, PM3_supporting (Richards 2015).

Literature cited by the submitters: PubMed 18395098 (cited by Genomenon, Inc).